The following is an entry in ClinVar:

ClinVar aggregate classification (germline): Likely pathogenic (1 of 4 stars; one submission).

Submission:

Centre of Medical Genetics, University Hospital Muenster
Classification: Likely pathogenic. Last evaluated: 2025-02-19. Review status: criteria provided, single submitter. Criteria: ACMG Guidelines, 2015. Collection method: clinical testing. Allele origin: unknown. Affected: yes. Observed: 1 variant allele, 1 homozygote.
Comment: ACMG categories: PM2,PM3,PP3,PP4

NM_173812.5(DPY19L2):c.817G>A (p.Gly273Arg)

Gene: DPY19L2 (dpy-19 like 2; minus strand). Cytogenetic location: 12q14.2.
Variant type: single nucleotide variant.
Coding change: c.817G>A on transcript NM_173812.5 (MANE Select); coding-DNA position 817, G replaced by A.
Protein change: p.Gly273Arg; replaces glycine 273 with arginine.
Molecular consequence: missense variant.
Genome position (GRCh38, 1-based): chr12:63,626,513, C>T on the plus strand (G>A on the coding strand, the complement: DPY19L2 is on the minus strand). VCF-style: chr12-63626513-C-T. GRCh37 (hg19) VCF-style: chr12-64020293-C-T.
Other names: short protein forms G273R.
Identifiers: ClinVar variation 4526354 (VCV004526354.1).
Genomic context (GRCh38, chr12:63,626,513, plus strand): 5'-TTTCTAGAAAACAAACCTCTCCATGGTTGAAAAAGAAGCACAGTACTGTAATAAGACCTC[C>T]CAGTTGAGTCCCACTGTAAAAAAAAAACAAAAAAAACAGAGAATACAATCAAAATTCATG-3'
Protein context (NP_776173.3, residues 263-283): YGAYLSGTQL[Gly273Arg]GLITVLCFFF